The following is an entry in ClinVar:

NM_015909.4(NBAS):c.2596C>T (p.Leu866Phe)

Gene: NBAS (NBAS subunit of NRZ tethering complex; minus strand). Cytogenetic location: 2p24.3.
Variant type: single nucleotide variant.
Coding change: c.2596C>T on transcript NM_015909.4 (MANE Select); coding-DNA position 2596, C replaced by T.
Protein change: p.Leu866Phe; replaces leucine 866 with phenylalanine.
Molecular consequence: missense variant. On other transcripts: non-coding transcript variant (1).
Genome position (GRCh38, 1-based): chr2:15,417,694, G>A on the plus strand (C>T on the coding strand, the complement: NBAS is on the minus strand). VCF-style: chr2-15417694-G-A. GRCh37 (hg19) VCF-style: chr2-15557818-G-A.
Other names: short protein forms L866F.
Identifiers: ClinVar variation 2094872 (VCV002094872.4), dbSNP rs760958801, ClinGen allele CA345887143.

ClinVar aggregate classification (germline): Uncertain significance (1 of 4 stars; one submission).

gnomAD v4.1: 2 of 1,613,950 alleles (0.00012%); highest among the groups gnomAD compares: Non-Finnish European, 0.00017%; no homozygotes.

Submission:

Labcorp Genetics (formerly Invitae), Labcorp
Classification: Uncertain significance. Last evaluated: 2022-02-08. Review status: criteria provided, single submitter. Criteria: Invitae Variant Classification Sherloc (09022015). Collection method: clinical testing. Allele origin: germline.
Comment: This sequence change replaces leucine, which is neutral and non-polar, with phenylalanine, which is neutral and non-polar, at codon 866 of the NBAS protein (p.Leu866Phe). This variant is not present in population databases (gnomAD no frequency). This variant has not been reported in the literature in individuals affected with NBAS-related conditions. Algorithms developed to predict the effect of missense changes on protein structure and function are either unavailable or do not agree on the potential impact of this missense change (SIFT: "Deleterious"; PolyPhen-2: "Possibly Damaging"; Align-GVGD: "Class C15"). In summary, the available evidence is currently insufficient to determine the role of this variant in disease. Therefore, it has been classified as a Variant of Uncertain Significance.